The following is an entry in ClinVar:

NM_000884.3(IMPDH2):c.637_639del (p.Asn213del)

Gene: IMPDH2 (inosine monophosphate dehydrogenase 2; minus strand). Cytogenetic location: 3p21.31.
Variant type: Deletion.
Coding change: c.637_639del on transcript NM_000884.3 (MANE Select); coding-DNA positions 637 to 639, 3 bases deleted (AAT; older notation c.637_639delAAT).
Protein change: p.Asn213del; deletes asparagine 213.
Molecular consequence: inframe deletion.
Genome position (GRCh38, 1-based): chr3:49,026,867-49,026,869, ATT deleted on the plus strand (AAT on the coding strand, the reverse complement: IMPDH2 is on the minus strand). VCF-style (leftmost placement, unchanged base first): chr3-49026866-CATT-C. GRCh37 (hg19) VCF-style: chr3-49064299-CATT-C.
Other names: c.637_639del, p.Asn213del (NM_001410759.1); c.562_564del, p.Asn188del (NM_001410760.1, NM_001410761.1); short protein forms N188del, N213del.
Identifiers: ClinVar variation 3252434 (VCV003252434.1), dbSNP rs2471630441.
Genomic context (GRCh38, chr3:49,026,866, plus strand): 5'-GGTAGTCCCGATTCTTCTTCAGGTCTGTCCGGGCAATGATGGCCACAAGCTCATCATCTT[CATT>C]TACAATGGGCAACTTTCCTGTGGTCAGGGCAGGACATGAATCAGGACCCTAGGCATTAGT-3'

ClinVar aggregate classification (germline): Uncertain significance (1 of 4 stars; one submission).

Submission:

GeneDx
Classification: Uncertain significance. Last evaluated: 2023-06-18. Review status: criteria provided, single submitter. Criteria: GeneDx Variant Classification Process June 2021. Collection method: clinical testing. Allele origin: germline. Affected: yes.
Comment: Not observed at significant frequency in large population cohorts (gnomAD); In-frame deletion of 1 amino acid in a non-repeat region; In silico analysis supports a deleterious effect on protein structure/function; Has not been previously published as pathogenic or benign to our knowledge